The following is an entry in ClinVar:

ClinVar aggregate classification (germline): Likely benign. Review status: criteria provided, multiple submitters, no conflicts (2 of 4 stars). 2 submissions from 2 submitters: Likely benign (2). Last evaluated 2026-02-03.

Conditions:
Dilated cardiomyopathy 1W (CMD1W). Identifiers: Orphanet 154, MedGen C1969639, MONDO:0012667, OMIM 611407.

Allele frequency attached by ClinVar (database versions not stated): gnomAD exomes below 0.00001; TOPMed below 0.00001; gnomAD 0.00001.
gnomAD v4.1: 4 of 1,614,026 alleles (0.00025%); highest among the groups gnomAD compares: African/African-American, 0.0013%; no homozygotes.

Submissions (2):

Labcorp Genetics (formerly Invitae), Labcorp
Classification: Likely benign for Dilated cardiomyopathy 1W. Last evaluated: 2026-02-03. Review status: criteria provided, single submitter. Criteria: Invitae Variant Classification Sherloc (09022015). Collection method: clinical testing. Allele origin: germline.

Women's Health and Genetics/Laboratory Corporation of America, LabCorp
Classification: Likely benign. Last evaluated: 2026-01-05. Review status: criteria provided, single submitter. Criteria: LabCorp Variant Classification Summary - May 2015. Collection method: clinical testing. Allele origin: germline.
Comment: Variant summary: VCL c.1797C>T alters a conserved nucleotide resulting in a synonymous change. Consensus agreement among computation tools predict no significant impact on normal splicing. However, these predictions have yet to be confirmed by functional studies. The variant allele was found at a frequency of 4e-06 in 251452 control chromosomes. The available data on variant occurrences in the general population are insufficient to allow any conclusion about variant significance. To our knowledge, no occurrence of c.1797C>T in individuals affected with VCL-related conditions and no experimental evidence demonstrating its impact on protein function have been reported. ClinVar contains an entry for this variant (Variation ID: 1541276). Based on the evidence outlined above, the variant was classified as likely benign.

NM_014000.3(VCL):c.1797C>T (p.Phe599=)

Gene: VCL (vinculin; plus strand). Cytogenetic location: 10q22.2.
Variant type: single nucleotide variant.
Coding change: c.1797C>T on transcript NM_014000.3 (MANE Select); coding-DNA position 1797, C replaced by T.
Protein change: p.Phe599=; no amino-acid change (phenylalanine 599 retained).
Molecular consequence: synonymous variant.
Genome position (GRCh38, 1-based): chr10:74,097,257, C>T. VCF-style: chr10-74097257-C-T. GRCh37 (hg19) VCF-style: chr10-75857015-C-T.
Other names: c.1797C>T, p.Phe599= (NM_003373.4).
Identifiers: ClinVar variation 1541276 (VCV001541276.9), dbSNP rs1433225982, ClinGen allele CA470175321.